The following is an entry in ClinVar:

ClinVar aggregate classification (germline): Benign/Likely benign. Review status: criteria provided, multiple submitters, no conflicts (2 of 4 stars). 3 submissions from 3 submitters: Benign (1); Likely benign (2). Last evaluated 2026-01-24.

Allele frequency attached by ClinVar (database versions not stated): gnomAD 0.00004 and 0.00005; gnomAD exomes 0.00005 and 0.00017; TOPMed 0.00005; ExAC 0.00015; 1000 Genomes Project 30x 0.00016; 1000 Genomes Project 0.00020.
gnomAD v4.1: 82 of 1,614,238 alleles (0.0051%); highest among the groups gnomAD compares: East Asian, 0.15%; no homozygotes.

Submissions (3):

Labcorp Genetics (formerly Invitae), Labcorp
Classification: Benign. Last evaluated: 2026-01-24. Review status: criteria provided, single submitter. Criteria: Invitae Variant Classification Sherloc (09022015). Collection method: clinical testing. Allele origin: germline.

GeneDx
Classification: Likely benign. Last evaluated: 2016-09-26. Review status: criteria provided, single submitter. Criteria: GeneDx Variant Classification (06012015). Collection method: clinical testing. Allele origin: germline. Affected: yes.
Comment: This variant is considered likely benign or benign based on one or more of the following criteria: it is a conservative change, it occurs at a poorly conserved position in the protein, it is predicted to be benign by multiple in silico algorithms, and/or has population frequency not consistent with disease.

Breakthrough Genomics
Classification: Likely benign. Review status: criteria provided, single submitter. Criteria: ACMG Guidelines, 2015. Collection method: not provided. Allele origin: germline. Inheritance: Autosomal recessive inheritance. Affected: yes.

NM_007103.4(NDUFV1):c.732C>T (p.Asn244=)

Gene: NDUFV1 (NADH:ubiquinone oxidoreductase core subunit V1; plus strand). Cytogenetic location: 11q13.2.
Variant type: single nucleotide variant.
Coding change: c.732C>T on transcript NM_007103.4 (MANE Select); coding-DNA position 732, C replaced by T.
Protein change: p.Asn244=; no amino-acid change (asparagine 244 retained).
Molecular consequence: synonymous variant.
Genome position (GRCh38, 1-based): chr11:67,611,026, C>T. VCF-style: chr11-67611026-C-T. GRCh37 (hg19) VCF-style: chr11-67378497-C-T.
Other names: c.705C>T, p.Asn235= (NM_001166102.2).
Identifiers: ClinVar variation 389205 (VCV000389205.10), dbSNP rs565640543, ClinGen allele CA6143274.